The following is an entry in ClinVar:

NM_000936.4(PNLIP):c.1115T>C (p.Ile372Thr)

Gene: PNLIP (pancreatic lipase; plus strand). Cytogenetic location: 10q25.3.
Variant type: single nucleotide variant.
Coding change: c.1115T>C on transcript NM_000936.4 (MANE Select); coding-DNA position 1115, T replaced by C.
Protein change: p.Ile372Thr; replaces isoleucine 372 with threonine.
Molecular consequence: missense variant.
Genome position (GRCh38, 1-based): chr10:116,560,470, T>C. VCF-style: chr10-116560470-T-C. GRCh37 (hg19) VCF-style: chr10-118319982-T-C.
Other names: short protein forms I372T.
Identifiers: ClinVar variation 2906327 (VCV002906327.3), dbSNP rs1372305776, ClinGen allele CA378497971.

ClinVar aggregate classification (germline): Uncertain significance (1 of 4 stars; one submission).

Allele frequency attached by ClinVar (database versions not stated): gnomAD exomes below 0.00001.
gnomAD v4.1: 4 of 1,608,932 alleles (0.00025%); highest among the groups gnomAD compares: African/African-American, 0.004%; no homozygotes.

Submission:

Labcorp Genetics (formerly Invitae), Labcorp
Classification: Uncertain significance. Last evaluated: 2023-07-06. Review status: criteria provided, single submitter. Criteria: Invitae Variant Classification Sherloc (09022015). Collection method: clinical testing. Allele origin: germline.
Comment: Advanced modeling of protein sequence and biophysical properties (such as structural, functional, and spatial information, amino acid conservation, physicochemical variation, residue mobility, and thermodynamic stability) has been performed at Invitae for this missense variant, however the output from this modeling did not meet the statistical confidence thresholds required to predict the impact of this variant on PNLIP protein function. This sequence change replaces isoleucine, which is neutral and non-polar, with threonine, which is neutral and polar, at codon 372 of the PNLIP protein (p.Ile372Thr). This variant is present in population databases (no rsID available, gnomAD 0.0009%). This variant has not been reported in the literature in individuals affected with PNLIP-related conditions. In summary, the available evidence is currently insufficient to determine the role of this variant in disease. Therefore, it has been classified as a Variant of Uncertain Significance.